The following is an entry in ClinVar:

NM_001035.3(RYR2):c.7094A>G (p.Asn2365Ser)

Gene: RYR2 (ryanodine receptor 2; plus strand). Cytogenetic location: 1q43.
Variant type: single nucleotide variant.
Coding change: c.7094A>G on transcript NM_001035.3 (MANE Select); coding-DNA position 7094, A replaced by G.
Protein change: p.Asn2365Ser; replaces asparagine 2365 with serine.
Molecular consequence: missense variant.
Genome position (GRCh38, 1-based): chr1:237,639,180, A>G. VCF-style: chr1-237639180-A-G. GRCh37 (hg19) VCF-style: chr1-237802480-A-G.
Other names: c.7094A>G, p.Asn2365Ser (LRG_402t1); short protein forms N2365S.
Identifiers: ClinVar variation 532361 (VCV000532361.21), dbSNP rs369774984, ClinGen allele CA087278.
Genomic context (GRCh38, chr1:237,639,180, plus strand): 5'-CAGCAATGGAAGAAGCCATCAAAATCGCCGAGGATCCTTCCCGAGATGGTCCCTCACCAA[A>G]TAGCGGATCCAGTAAAACACTGTAGGTCTAATATACACACCCTCACGAGTGATCCATACT-3'
Protein context (NP_001026.2, residues 2355-2375): EDPSRDGPSP[Asn2365Ser]SGSSKTLDTE

ClinVar aggregate classification (germline): Conflicting classifications of pathogenicity. Review status: criteria provided, conflicting classifications (1 of 4 stars). 4 submissions from 4 submitters: Uncertain significance (1); Likely benign (3). Last evaluated 2025-12-08.

Conditions:
Cardiomyopathy (CMYO). Also called: Cardiomyopathies. Identifiers: Orphanet 167848, MedGen C0878544, MONDO:0004994, HP:0001638. Inheritance: Various modes of inheritance.
Catecholaminergic polymorphic ventricular tachycardia 1. Also called: VENTRICULAR TACHYCARDIA, CATECHOLAMINERGIC POLYMORPHIC, 1, WITH OR WITHOUT ATRIAL DYSFUNCTION AND/OR DILATED CARDIOMYOPATHY; RYR2-Related Catecholaminergic Polymorphic Ventricular Tachycardia; VENTRICULAR TACHYCARDIA, STRESS-INDUCED POLYMORPHIC 1. Identifiers: Orphanet 3286, MedGen C1631597, MONDO:0011484, OMIM 604772.
Catecholaminergic polymorphic ventricular tachycardia (CVPT). Also called: Catecholamine-induced polymorphic ventricular tachycardia. Identifiers: Orphanet 3286, MedGen C5574922, MONDO:0017990.
Cardiovascular phenotype. Identifiers: MedGen CN230736.

Allele frequency attached by ClinVar (database versions not stated): gnomAD exomes below 0.00001 and 0.00001; ExAC 0.00002; TOPMed 0.00007; gnomAD 0.00009; ESP Exome Variant Server 0.00017.
gnomAD v4.1: 19 of 1,613,492 alleles (0.0012%); highest among the groups gnomAD compares: African/African-American, 0.024%; no homozygotes.

Submissions (4):

Labcorp Genetics (formerly Invitae), Labcorp
Classification: Likely benign for Catecholaminergic polymorphic ventricular tachycardia 1. Last evaluated: 2025-12-08. Review status: criteria provided, single submitter. Criteria: Invitae Variant Classification Sherloc (09022015). Collection method: clinical testing. Allele origin: germline.

Ambry Genetics
Classification: Likely benign for Cardiovascular phenotype. Last evaluated: 2025-09-16. Review status: criteria provided, single submitter. Criteria: Ambry Variant Classification Scheme 2023. Collection method: clinical testing. Allele origin: germline.

Color Diagnostics, LLC DBA Color Health
Classification: Likely benign for Cardiomyopathy. Last evaluated: 2024-09-23. Review status: criteria provided, single submitter. Criteria: ACMG Guidelines, 2015. Collection method: clinical testing. Allele origin: germline.

All of Us Research Program, National Institutes of Health
Classification: Uncertain significance for Catecholaminergic polymorphic ventricular tachycardia. Last evaluated: 2024-08-06. Review status: criteria provided, single submitter. Criteria: ACMG Guidelines, 2015. Collection method: clinical testing. Allele origin: germline. Inheritance: Autosomal dominant inheritance. Observed: 5 variant alleles, 5 heterozygotes.
Comment: This missense variant replaces asparagine with serine at codon 2365 of the RYR2 protein. Computational prediction tools and conservation analyses suggest that this variant may not impact the protein function. Computational splicing tools suggest that this variant may not impact RNA splicing. To our knowledge, functional assays have not been performed for this variant nor has this variant been reported in individuals affected with cardiovascular disorders in the literature. This variant has been identified in 9/280064 chromosomes in the general population by the Genome Aggregation Database (gnomAD). Available evidence is insufficient to determine the role of this variant in disease conclusively. Therefore, this variant is classified as a Variant of Uncertain Significance.

This study involves interpretation of variants in research participants for the purpose of population health screening. Participant phenotype was not available at the time of variant classification. Additional details can be found in publication PMID: 35346344, PMCID: PMC8962531

Literature cited by the submitters: PubMed 28404607 (cited by Ambry Genetics).